The following is an entry in ClinVar:

ClinVar aggregate classification (germline): Conflicting classifications of pathogenicity. Review status: criteria provided, conflicting classifications (1 of 4 stars). 3 submissions from 2 submitters: Uncertain significance (2); Benign (1). Last evaluated 2018-01-12.

Conditions:
Wolfram syndrome 1 (WFS1). Identifiers: Orphanet 3463, MedGen C4551693, MONDO:0009101, OMIM 222300.
WFS1-Related Spectrum Disorders.
Autosomal dominant nonsyndromic hearing loss 6 (LFSNHL). Also called: DEAFNESS, AUTOSOMAL DOMINANT 6; DEAFNESS, AUTOSOMAL DOMINANT 14; DEAFNESS, AUTOSOMAL DOMINANT 38; Autosomal dominant nonsyndromic deafness 6; DIDMOAD (Diabetes Insipidus, Diabetes Mellitus, Optic Atrophy, and Deafness). Identifiers: Orphanet 90635, MedGen C1833021, MONDO:0010963, OMIM 600965.

Allele frequency attached by ClinVar (database versions not stated): gnomAD 0.00001; TOPMed 0.00001.
gnomAD v4.1: 1 of 653,646 alleles (0.00015%); highest among the groups gnomAD compares: African/African-American, 0.0018%; no homozygotes.

Submissions (3):

Illumina Laboratory Services, Illumina
Classification: Uncertain significance for WFS1-Related Spectrum Disorders. Last evaluated: 2018-01-12. Review status: criteria provided, single submitter. Criteria: ICSL Variant Classification Criteria 13 December 2019. Collection method: clinical testing. Allele origin: germline.

Illumina Laboratory Services, Illumina
Classification: Uncertain significance for Autosomal dominant nonsyndromic hearing loss 6. Last evaluated: 2018-01-12. Review status: criteria provided, single submitter. Criteria: ICSL Variant Classification Criteria 13 December 2019. Collection method: clinical testing. Allele origin: germline.

Clinical Genomics, Uppaluri K&H Personalized Medicine Clinic
Classification: Benign for Wolfram syndrome 1. Review status: criteria provided, single submitter. Criteria: K & H Uppaluri Personalized Medicine Clinic Variant Classification & Assertion Criteria_Updated V.1. Collection method: research. Allele origin: unknown. Inheritance: Autosomal recessive inheritance.
Comment: Potent mutations in WFS1 gene are associated with Wolfram's syndrome, an autosomal recessive condition, which cause diabetes mellitus, diabetes insipidus, deafness and optic atrophy.However no sufficient evidence is found to ascertain the role of this particular variant rs905909594 in Wolfram's syndrome yet.

Literature cited by the submitters: PubMed 20738327 (cited by Clinical Genomics, Uppaluri K&H Personalized Medicine Clinic); PubMed 33879153 (cited by Clinical Genomics, Uppaluri K&H Personalized Medicine Clinic); PubMed 12955714 (cited by Clinical Genomics, Uppaluri K&H Personalized Medicine Clinic); PubMed 18060660 (cited by Clinical Genomics, Uppaluri K&H Personalized Medicine Clinic); PubMed 20301750 (cited by Clinical Genomics, Uppaluri K&H Personalized Medicine Clinic); PubMed 17603484 (cited by Clinical Genomics, Uppaluri K&H Personalized Medicine Clinic).

NM_006005.3(WFS1):c.*223C>G

Gene: WFS1 (wolframin ER transmembrane glycoprotein; plus strand). Cytogenetic location: 4p16.1.
Variant type: single nucleotide variant.
Coding change: c.*223C>G on transcript NM_006005.3 (MANE Select); 223 bases downstream of the stop codon, C replaced by G.
Molecular consequence: 3 prime UTR variant.
Genome position (GRCh38, 1-based): chr4:6,302,691, C>G. VCF-style: chr4-6302691-C-G. GRCh37 (hg19) VCF-style: chr4-6304418-C-G.
Other names: c.*223C>G (NM_001145853.1).
Identifiers: ClinVar variation 906912 (VCV000906912.5), dbSNP rs905909594, ClinGen allele CA91798187.